The following is an entry in ClinVar:

ClinVar aggregate classification (germline): Uncertain significance (1 of 4 stars; one submission).

Conditions:
Developmental and epileptic encephalopathy, 30 (DEE30). Also called: Epileptic encephalopathy, early infantile, 30. Identifiers: MedGen C4225360, MONDO:0014595, OMIM 616341.

Allele frequency attached by ClinVar (database versions not stated): ExAC 0.00001; gnomAD exomes 0.00001.

Submission:

Labcorp Genetics (formerly Invitae), Labcorp
Classification: Uncertain significance for Developmental and epileptic encephalopathy, 30. Last evaluated: 2022-08-09. Review status: criteria provided, single submitter. Criteria: Invitae Variant Classification Sherloc (09022015). Collection method: clinical testing. Allele origin: germline.
Comment: This sequence change replaces asparagine, which is neutral and polar, with serine, which is neutral and polar, at codon 67 of the SIK1 protein (p.Asn67Ser). This variant is present in population databases (rs770927120, gnomAD 0.005%). This variant has not been reported in the literature in individuals affected with SIK1-related conditions. ClinVar contains an entry for this variant (Variation ID: 1482059). Algorithms developed to predict the effect of missense changes on protein structure and function are either unavailable or do not agree on the potential impact of this missense change (SIFT: "Tolerated"; PolyPhen-2: "Probably Damaging"; Align-GVGD: "Class C0"). In summary, the available evidence is currently insufficient to determine the role of this variant in disease. Therefore, it has been classified as a Variant of Uncertain Significance.

NM_173354.5(SIK1):c.200A>G (p.Asn67Ser)

Gene: SIK1 (salt inducible kinase 1; minus strand). Cytogenetic location: 21q22.3.
Variant type: single nucleotide variant.
Coding change: c.200A>G on transcript NM_173354.5 (MANE Select); coding-DNA position 200, A replaced by G.
Protein change: p.Asn67Ser; replaces asparagine 67 with serine.
Molecular consequence: missense variant.
Genome position (GRCh38, 1-based): chr21:43,425,480, T>C on the plus strand (A>G on the coding strand, the complement: SIK1 is on the minus strand). VCF-style: chr21-43425480-T-C. GRCh37 (hg19) VCF-style: chr21-44845360-T-C.
Other names: short protein forms N67S.
Identifiers: ClinVar variation 1482059 (VCV001482059.8), dbSNP rs770927120, ClinGen allele CA321329852.